The following is an entry in ClinVar:

ClinVar aggregate classification (germline): Uncertain significance (1 of 4 stars; one submission).

Conditions:
Arrhythmogenic right ventricular dysplasia 13. Also called: ARRHYTHMOGENIC RIGHT VENTRICULAR CARDIOMYOPATHY 13; Arrhythmogenic right ventricular dysplasia, familial, 13. Identifiers: MedGen C3810138, MONDO:0000908, OMIM 615616.

gnomAD v4.1: 8 of 1,611,594 alleles (0.0005%); highest among the groups gnomAD compares: Admixed American, 0.013%; no homozygotes.

Submission:

Labcorp Genetics (formerly Invitae), Labcorp
Classification: Uncertain significance for Arrhythmogenic right ventricular dysplasia 13. Last evaluated: 2025-03-26. Review status: criteria provided, single submitter. Criteria: Invitae Variant Classification Sherloc (09022015). Collection method: clinical testing. Allele origin: germline.
Comment: This sequence change replaces asparagine, which is neutral and polar, with aspartic acid, which is acidic and polar, at codon 450 of the CTNNA3 protein (p.Asn450Asp). This variant is present in population databases (rs767280342, gnomAD 0.01%). This variant has not been reported in the literature in individuals affected with CTNNA3-related conditions. Invitae Evidence Modeling of protein sequence and biophysical properties (such as structural, functional, and spatial information, amino acid conservation, physicochemical variation, residue mobility, and thermodynamic stability) indicates that this missense variant is not expected to disrupt CTNNA3 protein function with a negative predictive value of 80%. In summary, the available evidence is currently insufficient to determine the role of this variant in disease. Therefore, it has been classified as a Variant of Uncertain Significance.

NM_013266.4(CTNNA3):c.1348A>G (p.Asn450Asp)

Gene: CTNNA3 (catenin alpha 3; minus strand). Cytogenetic location: 10q21.3.
Variant type: single nucleotide variant.
Coding change: c.1348A>G on transcript NM_013266.4 (MANE Select); coding-DNA position 1348, A replaced by G.
Protein change: p.Asn450Asp; replaces asparagine 450 with aspartic acid.
Molecular consequence: missense variant.
Genome position (GRCh38, 1-based): chr10:66,621,718, T>C on the plus strand (A>G on the coding strand, the complement: CTNNA3 is on the minus strand). VCF-style: chr10-66621718-T-C. GRCh37 (hg19) VCF-style: chr10-68381476-T-C.
Other names: c.1348A>G, p.Asn450Asp (NM_001127384.3); short protein forms N450D.
Identifiers: ClinVar variation 3711441 (VCV003711441.2).